The following is an entry in ClinVar:

ClinVar aggregate classification (germline): Conflicting classifications of pathogenicity. Review status: criteria provided, conflicting classifications (1 of 4 stars). 7 submissions from 7 submitters: Uncertain significance (1); Benign (1); Likely benign (5). Last evaluated 2026-07-01.

Conditions:
Kabuki syndrome. Also called: NIIKAWA-KUROKI SYNDROME; Kabuki make-up syndrome. Identifiers: Orphanet 2322, MedGen C0796004, MONDO:0016512.
Kabuki syndrome 1 (KABUK1). Also called: KMT2D-Related Kabuki Syndrome. Identifiers: Orphanet 2322, MedGen CN030661, MONDO:0007843, OMIM 147920.

Allele frequency attached by ClinVar (database versions not stated): ExAC 0.00006; gnomAD exomes 0.00009 and 0.00027; gnomAD 0.00015 and 0.00016; ESP Exome Variant Server 0.00016; TOPMed 0.00016.
gnomAD v4.1: 418 of 1,613,626 alleles (0.026%); highest among the groups gnomAD compares: Non-Finnish European, 0.033%; no homozygotes.

Submissions (7):

CeGaT Center for Human Genetics Tuebingen
Classification: Likely benign. Last evaluated: 2026-07-01. Review status: criteria provided, single submitter. Criteria: CeGaT Center For Human Genetics Tuebingen Variant Classification Criteria Version 2. Collection method: clinical testing. Allele origin: germline. Affected: yes. Observed: 2 variant alleles.
Comment: KMT2D: BP4, BP7

Labcorp Genetics (formerly Invitae), Labcorp
Classification: Likely benign for Kabuki syndrome. Last evaluated: 2026-01-12. Review status: criteria provided, single submitter. Criteria: Invitae Variant Classification Sherloc (09022015). Collection method: clinical testing. Allele origin: germline.

ARUP Laboratories, Molecular Genetics and Genomics, ARUP Laboratories
Classification: Likely benign. Last evaluated: 2025-05-09. Review status: criteria provided, single submitter. Criteria: ARUP Molecular Germline Variant Investigation Process 2024. Collection method: clinical testing. Allele origin: germline.

Blueprint Genetics
Classification: Likely benign. Last evaluated: 2024-07-10. Review status: criteria provided, single submitter. Criteria: ACMG Guidelines, 2015. Collection method: clinical testing. Allele origin: germline.

Athena Diagnostics
Classification: Benign. Last evaluated: 2024-03-04. Review status: criteria provided, single submitter. Criteria: Athena Diagnostics Criteria. Collection method: clinical testing. Allele origin: unknown.

Eurofins Ntd Llc (ga)
Classification: Likely benign. Last evaluated: 2018-06-01. Review status: criteria provided, single submitter. Criteria: EGL ClinVar v180209 classification definitions. Collection method: clinical testing. Allele origin: germline. Observed: 3 variant alleles, 3 heterozygotes.

Genetic Services Laboratory, University of Chicago
Classification: Uncertain significance for Kabuki syndrome 1. Last evaluated: 2013-08-22. Review status: criteria provided, single submitter. Criteria: ACMG Guidelines, 2007. Collection method: clinical testing. Allele origin: germline. Inheritance: Autosomal dominant inheritance.

NM_003482.4(KMT2D):c.11043G>A (p.Gln3681=)

Gene: KMT2D (lysine methyltransferase 2D; minus strand). Cytogenetic location: 12q13.12.
Variant type: single nucleotide variant.
Coding change: c.11043G>A on transcript NM_003482.4 (MANE Select); coding-DNA position 11043, G replaced by A.
Protein change: p.Gln3681=; no amino-acid change (glutamine 3681 retained).
Molecular consequence: synonymous variant.
Genome position (GRCh38, 1-based): chr12:49,033,662, C>T on the plus strand (G>A on the coding strand, the complement: KMT2D is on the minus strand). VCF-style: chr12-49033662-C-T. GRCh37 (hg19) VCF-style: chr12-49427445-C-T.
Identifiers: ClinVar variation 158714 (VCV000158714.22), dbSNP rs371444130, ClinGen allele CA245010.